The following is an entry in ClinVar:

ClinVar aggregate classification (germline): Uncertain significance (1 of 4 stars; one submission).

Conditions:
Neurofibromatosis, type 2 (SWNV). Also called: NF2-Related Schwannomatosis; BILATERAL ACOUSTIC NEUROFIBROMATOSIS; SCHWANNOMATOSIS, VESTIBULAR. Identifiers: Orphanet 637, MedGen C0027832, MONDO:0007039, OMIM 101000. Disease mechanism: loss of function.

Submission:

All of Us Research Program, National Institutes of Health
Classification: Uncertain significance for Neurofibromatosis, type 2. Last evaluated: 2024-04-16. Review status: criteria provided, single submitter. Criteria: ACMG Guidelines, 2015. Collection method: clinical testing. Allele origin: germline. Inheritance: Autosomal dominant inheritance. Observed: 1 variant allele, 1 heterozygote.
Comment: This missense variant replaces tryptophan with serine at codon 191 of the NF2 protein. Computational prediction is inconclusive regarding the impact of this variant on protein structure and function (internally defined REVEL score threshold 0.5 < inconclusive < 0.7, PMID: 27666373). To our knowledge, functional studies have not been reported for this variant. This variant has not been reported in individuals affected with NF2-related disorders in the literature. This variant has not been identified in the general population by the Genome Aggregation Database (gnomAD). The available evidence is insufficient to determine the role of this variant in disease conclusively. Therefore, this variant is classified as a Variant of Uncertain Significance.

This study involves interpretation of variants in research participants for the purpose of population health screening. Participant phenotype was not available at the time of variant classification. Additional details can be found in publication PMID: 35346344, PMCID: PMC8962531

NM_000268.4(NF2):c.572G>C (p.Trp191Ser)

Gene: NF2 (NF2, moesin-ezrin-radixin like (MERLIN) tumor suppressor; plus strand). Cytogenetic location: 22q12.2.
Variant type: single nucleotide variant.
Coding change: c.572G>C on transcript NM_000268.4 (MANE Select); coding-DNA position 572, G replaced by C.
Protein change: p.Trp191Ser; replaces tryptophan 191 with serine.
Molecular consequence: missense variant. On other transcripts: intron variant (1).
Genome position (GRCh38, 1-based): chr22:29,655,649, G>C. VCF-style: chr22-29655649-G-C. GRCh37 (hg19) VCF-style: chr22-30051638-G-C.
Other names: c.323G>C, p.Trp108Ser (NM_181830.3, NM_181831.3, NM_001407063.1 and 1 more transcripts); c.572G>C, p.Trp191Ser (NM_181832.3, NM_001407057.1, NM_001407059.1 and 4 more transcripts); c.447+13364G>C (NM_181833.3); c.458G>C, p.Trp153Ser (NM_001407053.1, NM_001407056.1); c.449G>C, p.Trp150Ser (NM_001407054.1, NM_001407058.1, NM_001407062.1 and 1 more transcripts); c.446G>C, p.Trp149Ser (NM_001407055.1, NM_181828.3); c.38G>C, p.Trp13Ser (NM_001407065.1); c.341G>C, p.Trp114Ser (NM_001407067.1); short protein forms W108S, W114S, W13S, W149S, W150S, W153S, W191S.
Identifiers: ClinVar variation 3387397 (VCV003387397.1).
Genomic context (GRCh38, chr22:29,655,649, plus strand): 5'-GGTAGGTAATAAATCTGTATCAGATGACTCCGGAAATGTGGGAGGAGAGAATTACTGCTT[G>C]GTACGCAGAGCACCGAGGCCGAGCCAGGTGAGGCCCATTCATTGTTGGTTTACATTCCTT-3'
Protein context (NP_000259.1, residues 181-201): PEMWEERITA[Trp191Ser]YAEHRGRARD